The following is an entry in ClinVar:

ClinVar aggregate classification (germline): Conflicting classifications of pathogenicity. Review status: criteria provided, conflicting classifications (1 of 4 stars). 2 submissions from 2 submitters: Uncertain significance (1); Likely benign (1). Last evaluated 2026-04-28.

Conditions:
Neuropathy, hereditary sensory, type 2C. Also called: KIF1A-Related HSAN2 (HSAN2C); Hereditary sensory and autonomic neuropathy type IIC. Identifiers: Orphanet 970, MedGen C3280168, MONDO:0013634, OMIM 614213.
Intellectual disability, autosomal dominant 9 (NESCAVS). Also called: NESCAV SYNDROME; KIF1A-Related Neurodevelopmental Disorder. Identifiers: Orphanet 662367, MedGen C5393830, MONDO:0013656, OMIM 614255.
Hereditary spastic paraplegia 30. Identifiers: Orphanet 101010, MedGen C5235139, MONDO:0012476.
KIF1A-related disorder. Also called: KIF1A-related disorders; KIF1A-related condition.

Allele frequency attached by ClinVar (database versions not stated): gnomAD 0.00001; TOPMed 0.00001; gnomAD exomes 0.00006 and 0.00007; ExAC 0.00009; 1000 Genomes Project 30x 0.00016; 1000 Genomes Project 0.00020.
gnomAD v4.1: 43 of 1,610,360 alleles (0.0027%); highest among the groups gnomAD compares: East Asian, 0.096%; no homozygotes.

Submissions (2):

PreventionGenetics, part of Exact Sciences
Classification: Likely benign for KIF1A-related condition. Last evaluated: 2026-04-28. Review status: criteria provided, single submitter. Criteria: ACMG Guidelines, 2015. Collection method: clinical testing. Allele origin: germline.
Comment: This variant is classified as likely benign based on ACMG/AMP sequence variant interpretation guidelines (Richards et al. 2015 PMID: 25741868, with internal and published modifications).

Labcorp Genetics (formerly Invitae), Labcorp
Classification: Uncertain significance for Hereditary spastic paraplegia 30; Neuropathy, hereditary sensory, type 2C; Intellectual disability, autosomal dominant 9. Last evaluated: 2024-05-10. Review status: criteria provided, single submitter. Criteria: Invitae Variant Classification Sherloc (09022015). Collection method: clinical testing. Allele origin: germline.
Comment: This sequence change falls in intron 12 of the KIF1A gene. It does not directly change the encoded amino acid sequence of the KIF1A protein. It affects a nucleotide within the consensus splice site. This variant is present in population databases (rs201966080, gnomAD 0.09%). This variant has not been reported in the literature in individuals affected with KIF1A-related conditions. ClinVar contains an entry for this variant (Variation ID: 651552). Variants that disrupt the consensus splice site are a relatively common cause of aberrant splicing (PMID: 17576681, 9536098). Algorithms developed to predict the effect of sequence changes on RNA splicing suggest that this variant is not likely to affect RNA splicing. In summary, the available evidence is currently insufficient to determine the role of this variant in disease. Therefore, it has been classified as a Variant of Uncertain Significance.

Literature cited by the submitters: PubMed 17576681 (cited by Labcorp Genetics (formerly Invitae), Labcorp); PubMed 9536098 (cited by Labcorp Genetics (formerly Invitae), Labcorp).

NM_001244008.2(KIF1A):c.1180+3G>A

Gene: KIF1A (kinesin family member 1A; minus strand). Cytogenetic location: 2q37.3.
Variant type: single nucleotide variant.
Coding change: c.1180+3G>A on transcript NM_001244008.2 (MANE Select); 3 bases into the intron after coding-DNA position 1180, G replaced by A.
Molecular consequence: intron variant.
Genome position (GRCh38, 1-based): chr2:240,773,111, C>T on the plus strand (G>A on the coding strand, the complement: KIF1A is on the minus strand). VCF-style: chr2-240773111-C-T. GRCh37 (hg19) VCF-style: chr2-241712528-C-T.
Other names: c.1180+3G>A (NM_001244008.1, NM_001379653.1, NM_001379650.1 and 21 more transcripts).
Identifiers: ClinVar variation 651552 (VCV000651552.8), dbSNP rs201966080, ClinGen allele CA2208527.
Genomic context (GRCh38, chr2:240,773,111, plus strand): 5'-TGCGAGGCCCCTGAGCCTGAGGCCCCACAACCCTGTCCAGGACAGGCTGGAGCAGGCACT[C>T]ACTGTCAGTGATGTCGCCAAGACCCTGGGCGTACAGAAGGTCCCGCAGCCGGGTCACCTC-3'